The following is an entry in ClinVar:

ClinVar aggregate classification (germline): Conflicting classifications of pathogenicity. Review status: criteria provided, conflicting classifications (1 of 4 stars). 5 submissions from 5 submitters: Uncertain significance (2); Likely benign (3). Last evaluated 2025-06-10.

Conditions:
Hereditary cancer-predisposing syndrome. Also called: Neoplastic Syndromes, Hereditary; Hereditary neoplastic syndrome; Hereditary Cancer Syndrome; Tumor predisposition. Identifiers: Orphanet 140162, MedGen C0027672, MeSH D009386, MONDO:0015356.
Hereditary breast ovarian cancer syndrome. Also called: Hereditary breast and ovarian cancer syndrome; Breast and ovarian cancer; Hereditary breast and ovarian cancer syndrome (HBOC); Hereditary breast and/or ovarian cancer syndrome; BRCA1- and BRCA2-Associated Hereditary Breast and Ovarian Cancer; Hereditary breast and ovarian cancer. Identifiers: Orphanet 145, MedGen C0677776, MeSH D061325, MONDO:0003582. Disease mechanism: loss of function.

Allele frequency attached by ClinVar (database versions not stated): gnomAD exomes below 0.00001; TOPMed below 0.00001; ExAC 0.00001; gnomAD 0.00001.
gnomAD v4.1: 3 of 1,614,134 alleles (0.00019%); highest among the groups gnomAD compares: Non-Finnish European, 0.00025%; no homozygotes.

Submissions (6):

Color Diagnostics, LLC DBA Color Health
Classification: Likely benign for Hereditary cancer-predisposing syndrome. Last evaluated: 2025-06-10. Review status: criteria provided, single submitter. Criteria: ACMG Guidelines, 2015. Collection method: clinical testing. Allele origin: germline.

Labcorp Genetics (formerly Invitae), Labcorp
Classification: Uncertain significance for Hereditary breast ovarian cancer syndrome. Last evaluated: 2025-04-08. Review status: criteria provided, single submitter. Criteria: Invitae Variant Classification Sherloc (09022015). Collection method: clinical testing. Allele origin: germline.
Comment: This sequence change replaces valine, which is neutral and non-polar, with methionine, which is neutral and non-polar, at codon 1632 of the BRCA1 protein (p.Val1632Met). This variant is present in population databases (rs770193975, gnomAD 0.0009%). This variant has not been reported in the literature in individuals affected with BRCA1-related conditions. ClinVar contains an entry for this variant (Variation ID: 409339). Invitae Evidence Modeling incorporating data from in vitro experimental studies (PMID: 30209399) indicates that this missense variant is not expected to disrupt BRCA1 function with a negative predictive value of 95%. In summary, the available evidence is currently insufficient to determine the role of this variant in disease. Therefore, it has been classified as a Variant of Uncertain Significance.

Blueprint Genetics
Classification: Likely benign. Last evaluated: 2024-09-20. Review status: criteria provided, single submitter. Criteria: ACMG Guidelines, 2015. Collection method: clinical testing. Allele origin: germline.

GeneDx
Classification: Uncertain significance. Last evaluated: 2024-05-14. Review status: criteria provided, single submitter. Criteria: GeneDx Variant Classification Process June 2021. Collection method: clinical testing. Allele origin: germline. Affected: yes.
Comment: In silico analysis indicates that this missense variant does not alter protein structure/function; Not observed at significant frequency in large population cohorts (gnomAD); Also known as 5013G>A; This variant is associated with the following publications: (PMID: 30209399, 10220405, 9974970, 11301010, 35665744, 29884841, 32377563)

Ambry Genetics
Classification: Likely benign for Hereditary cancer-predisposing syndrome. Last evaluated: 2021-05-20. Review status: criteria provided, single submitter. Criteria: Ambry Variant Classification Scheme 2023. Collection method: clinical testing. Allele origin: germline.

Brotman Baty Institute, University of Washington
No classification provided (evidence only). Condition: Breast-ovarian cancer, familial 1. Review status: no classification provided. Collection method: in vitro. Allele origin: not applicable. Functional consequence: functionally_normal. Not counted in ClinVar's aggregate classification.
ClinVar note: "not provided" was previously submitted as the classification for the variant. However, the classification appeared to be based only on an observation of functional data so it was converted to no classification on 2025-07-30.

Literature cited by the submitters: PubMed 30209399 (cited by Labcorp Genetics (formerly Invitae), Labcorp and Ambry Genetics).

NM_007294.4(BRCA1):c.4894G>A (p.Val1632Met)

Gene: BRCA1 (BRCA1 DNA repair associated; minus strand). Cytogenetic location: 17q21.31.
Variant type: single nucleotide variant.
Coding change: c.4894G>A on transcript NM_007294.4 (MANE Select); coding-DNA position 4894, G replaced by A.
Protein change: p.Val1632Met; replaces valine 1632 with methionine.
Molecular consequence: missense variant. On other transcripts: non-coding transcript variant (1).
Genome position (GRCh38, 1-based): chr17:43,071,020, C>T on the plus strand (G>A on the coding strand, the complement: BRCA1 is on the minus strand). VCF-style: chr17-43071020-C-T. GRCh37 (hg19) VCF-style: chr17-41223037-C-T.
Other names: c.4891G>A, p.Val1631Met (NM_001407611.1, NM_001407612.1, NM_001407613.1 and 17 more transcripts); c.4888G>A, p.Val1630Met (NM_001407630.1, NM_001407631.1, NM_001407632.1 and 14 more transcripts); c.4894G>A, p.Val1632Met (NM_001407652.1, NM_001407593.1, NM_001407594.1 and 8 more transcripts); c.4816G>A, p.Val1606Met (NM_001407653.1, NM_001407654.1, NM_001407655.1); c.4813G>A, p.Val1605Met (NM_001407656.1, NM_001407657.1, NM_001407658.1); c.4810G>A, p.Val1604Met (NM_001407659.1, NM_001407660.1, NM_001407661.1 and 2 more transcripts); c.4768G>A, p.Val1590Met (NM_001407671.1, NM_001407672.1, NM_001407673.1 and 11 more transcripts); c.4750G>A, p.Val1584Met (NM_001407735.1, NM_001407736.1, NM_001407737.1 and 21 more transcripts); and 70 more; short protein forms V1632M, V1653M, V1585M, V528M, V1463M, V1503M, V1505M, V1519M.
Identifiers: ClinVar variation 409339 (VCV000409339.20), dbSNP rs770193975, ClinGen allele CA053429.
Genomic context (GRCh38, chr17:43,071,020, plus strand): 5'-TGGACATTCTTTTGTTGACCCTTTCTGTTGAAGCTGTCAATTCTGGCTTCTCCCTGCTCA[C>T]ACTTTCTTCCATTGCATTATACCCAGCAGTATCAGTAGTATGAGCAGCAGCTGGACTCTG-3'
Protein context (NP_009225.1, residues 1622-1642): TAGYNAMEES[Val1632Met]SREKPELTAS